The following is an entry in ClinVar:

NM_001261826.3(AP3D1):c.1516A>G (p.Met506Val)

Gene: AP3D1 (adaptor related protein complex 3 subunit delta 1; minus strand). Cytogenetic location: 19p13.3.
Variant type: single nucleotide variant.
Coding change: c.1516A>G on transcript NM_001261826.3 (MANE Select); coding-DNA position 1516, A replaced by G.
Protein change: p.Met506Val; replaces methionine 506 with valine.
Molecular consequence: missense variant.
Genome position (GRCh38, 1-based): chr19:2,118,798, T>C on the plus strand (A>G on the coding strand, the complement: AP3D1 is on the minus strand). VCF-style: chr19-2118798-T-C. GRCh37 (hg19) VCF-style: chr19-2118797-T-C.
Other names: c.1516A>G, p.Met506Val (NM_001374799.1, NM_003938.8); short protein forms M506V.
Identifiers: ClinVar variation 1994920 (VCV001994920.4), dbSNP rs570666570, ClinGen allele CA403222119.

ClinVar aggregate classification (germline): Uncertain significance (1 of 4 stars; one submission).

Allele frequency attached by ClinVar (database versions not stated): TOPMed below 0.00001; gnomAD 0.00001.
gnomAD v4.1: 26 of 1,613,558 alleles (0.0016%); highest among the groups gnomAD compares: Non-Finnish European, 0.0022%; no homozygotes.

Submission:

Labcorp Genetics (formerly Invitae), Labcorp
Classification: Uncertain significance. Last evaluated: 2022-02-20. Review status: criteria provided, single submitter. Criteria: Invitae Variant Classification Sherloc (09022015). Collection method: clinical testing. Allele origin: germline.
Comment: In summary, the available evidence is currently insufficient to determine the role of this variant in disease. Therefore, it has been classified as a Variant of Uncertain Significance. Algorithms developed to predict the effect of missense changes on protein structure and function are either unavailable or do not agree on the potential impact of this missense change (SIFT: "Deleterious"; PolyPhen-2: "Benign"; Align-GVGD: "Class C0"). This variant has not been reported in the literature in individuals affected with AP3D1-related conditions. This variant is not present in population databases (gnomAD no frequency). This sequence change replaces methionine, which is neutral and non-polar, with valine, which is neutral and non-polar, at codon 506 of the AP3D1 protein (p.Met506Val).